The following is an entry in ClinVar:

ClinVar aggregate classification (germline): Pathogenic (1 of 4 stars; one submission).

Submission:

ISCA Site 6
Classification: Pathogenic. Last evaluated: 2011-08-12. Review status: criteria provided, single submitter. Criteria: Kaminsky et al. (Genet Med. 2011). Collection method: clinical testing. Allele origin: unknown. Affected: yes. Observed: 1 variant allele.
Comment: Copy number variation identified through the course of routine clinical cytogenomic testing in postnatal populations. Clinical assertions have been curated as described in Kaminsky et al. 2011.

GRCh38/hg38 22q13.31-13.33(chr22:43807366-50739836)x1

Genes: TRABD-AS1 (TRABD antisense RNA 1; minus strand), TRCR1 (TBC1D22A divergent RNA CLOCK regulator 1; minus strand), TRMU (tRNA mitochondrial 2-thiouridylase; plus strand), TRU-TCA2-1 (tRNA-SeC (anticodon TCA) 2-1; plus strand), TTC38 (tetratricopeptide repeat domain 38; plus strand) and 439 more. Cytogenetic location: 22q13.31-13.33.
Variant type: copy number loss.
Change: copy number 1 (one copy instead of two) of chr22:43,807,366-50,739,836 (6.93 Mb, GRCh38 coordinates, 1-based), cytogenetic band 22q13.31-13.33.
Identifiers: ClinVar variation 57670 (VCV000057670.2).